The following is an entry in ClinVar:

NM_032578.4(MYPN):c.671T>C (p.Val224Ala)

Gene: MYPN (myopalladin; plus strand). Cytogenetic location: 10q21.3.
Variant type: single nucleotide variant.
Coding change: c.671T>C on transcript NM_032578.4 (MANE Select); coding-DNA position 671, T replaced by C.
Protein change: p.Val224Ala; replaces valine 224 with alanine.
Molecular consequence: missense variant. On other transcripts: 5 prime UTR variant (1), non-coding transcript variant (1).
Genome position (GRCh38, 1-based): chr10:68,122,109, T>C. VCF-style: chr10-68122109-T-C. GRCh37 (hg19) VCF-style: chr10-69881866-T-C.
Other names: c.671T>C, p.Val224Ala (NM_001256267.2); c.-452T>C (NM_001256268.2); short protein forms V224A.
Identifiers: ClinVar variation 477765 (VCV000477765.10), dbSNP rs1554839341, ClinGen allele CA377104871.

ClinVar aggregate classification (germline): Uncertain significance (1 of 4 stars; one submission).

Conditions:
Dilated cardiomyopathy 1KK (CMD1KK). Identifiers: Orphanet 154, Orphanet 75249, MedGen C3714995, MONDO:0014100, OMIM 615248.

Allele frequency attached by ClinVar (database versions not stated): gnomAD exomes below 0.00001.
gnomAD v4.1: 4 of 1,614,124 alleles (0.00025%); highest among the groups gnomAD compares: Non-Finnish European, 0.00034%; no homozygotes.

Submission:

Labcorp Genetics (formerly Invitae), Labcorp
Classification: Uncertain significance for Dilated cardiomyopathy 1KK. Last evaluated: 2024-04-17. Review status: criteria provided, single submitter. Criteria: Invitae Variant Classification Sherloc (09022015). Collection method: clinical testing. Allele origin: germline.
Comment: This sequence change replaces valine, which is neutral and non-polar, with alanine, which is neutral and non-polar, at codon 224 of the MYPN protein (p.Val224Ala). This variant is not present in population databases (gnomAD no frequency). This variant has not been reported in the literature in individuals affected with MYPN-related conditions. ClinVar contains an entry for this variant (Variation ID: 477765). An algorithm developed to predict the effect of missense changes on protein structure and function (PolyPhen-2) suggests that this variant is likely to be tolerated. In summary, the available evidence is currently insufficient to determine the role of this variant in disease. Therefore, it has been classified as a Variant of Uncertain Significance.